The following is an entry in ClinVar:

NM_004984.4(KIF5A):c.1955T>C (p.Leu652Pro)

Gene: KIF5A (kinesin family member 5A; plus strand). Cytogenetic location: 12q13.3.
Variant type: single nucleotide variant.
Coding change: c.1955T>C on transcript NM_004984.4 (MANE Select); coding-DNA position 1955, T replaced by C.
Protein change: p.Leu652Pro; replaces leucine 652 with proline.
Molecular consequence: missense variant.
Genome position (GRCh38, 1-based): chr12:57,575,689, T>C. VCF-style: chr12-57575689-T-C. GRCh37 (hg19) VCF-style: chr12-57969472-T-C.
Other names: c.1688T>C, p.Leu563Pro (NM_001354705.2); short protein forms L563P, L652P.
Identifiers: ClinVar variation 2091040 (VCV002091040.4), dbSNP rs2540508672, ClinGen allele CA385510497.

ClinVar aggregate classification (germline): Uncertain significance (1 of 4 stars; one submission).

Conditions:
Spastic paraplegia. Identifiers: MedGen C0037772, HP:0001258.

Submission:

Labcorp Genetics (formerly Invitae), Labcorp
Classification: Uncertain significance for Spastic paraplegia. Last evaluated: 2025-10-02. Review status: criteria provided, single submitter. Criteria: Invitae Variant Classification Sherloc (09022015). Collection method: clinical testing. Allele origin: germline.
Comment: This sequence change replaces leucine, which is neutral and non-polar, with proline, which is neutral and non-polar, at codon 652 of the KIF5A protein (p.Leu652Pro). This variant is not present in population databases (gnomAD no frequency). This variant has not been reported in the literature in individuals affected with KIF5A-related conditions. ClinVar contains an entry for this variant (Variation ID: 2091040). Invitae Evidence Modeling of protein sequence and biophysical properties (such as structural, functional, and spatial information, amino acid conservation, physicochemical variation, residue mobility, and thermodynamic stability) indicates that this missense variant is not expected to disrupt KIF5A protein function with a negative predictive value of 95%. In summary, the available evidence is currently insufficient to determine the role of this variant in disease. Therefore, it has been classified as a Variant of Uncertain Significance.